The following is an entry in ClinVar:

NM_016532.4(INPP5K):c.732G>C (p.Pro244=)

Gene: INPP5K (inositol polyphosphate-5-phosphatase K; minus strand). Cytogenetic location: 17p13.3.
Variant type: single nucleotide variant.
Coding change: c.732G>C on transcript NM_016532.4 (MANE Select); coding-DNA position 732, G replaced by C.
Protein change: p.Pro244=; no amino-acid change (proline 244 retained).
Molecular consequence: synonymous variant.
Genome position (GRCh38, 1-based): chr17:1,507,024, C>G on the plus strand (G>C on the coding strand, the complement: INPP5K is on the minus strand). VCF-style: chr17-1507024-C-G. GRCh37 (hg19) VCF-style: chr17-1410318-C-G.
Other names: c.504G>C, p.Pro168= (NM_001135642.2, NM_130766.3).
Identifiers: ClinVar variation 730439 (VCV000730439.39), dbSNP rs61733756, ClinGen allele CA8268500.

ClinVar aggregate classification (germline): Benign/Likely benign. Review status: criteria provided, multiple submitters, no conflicts (2 of 4 stars). 5 submissions from 5 submitters: Benign (1); Likely benign (4). Last evaluated 2026-07-01.

Allele frequency attached by ClinVar (database versions not stated): 1000 Genomes Project 30x 0.00016; ESP Exome Variant Server 0.00031; TOPMed 0.00040.
gnomAD v4.1: 848 of 1,613,952 alleles (0.053%); highest among the groups gnomAD compares: Non-Finnish European, 0.065%; no homozygotes.

Submissions (5):

CeGaT Center for Human Genetics Tuebingen
Classification: Likely benign. Last evaluated: 2026-07-01. Review status: criteria provided, single submitter. Criteria: CeGaT Center For Human Genetics Tuebingen Variant Classification Criteria Version 2. Collection method: clinical testing. Allele origin: germline. Affected: yes. Observed: 6 variant alleles.
Comment: INPP5K: BP4, BP7

Laboratory of Genetics, Children's Clinical University Hospital Latvia
Classification: Benign. Last evaluated: 2025-02-16. Review status: criteria provided, single submitter. Criteria: ACMG Guidelines, 2015. Collection method: clinical testing. Allele origin: germline. Affected: yes.

Blueprint Genetics
Classification: Likely benign. Last evaluated: 2024-11-26. Review status: criteria provided, single submitter. Criteria: ACMG Guidelines, 2015. Collection method: clinical testing. Allele origin: germline.

Labcorp Genetics (formerly Invitae), Labcorp
Classification: Likely benign. Last evaluated: 2019-12-31. Review status: criteria provided, single submitter. Criteria: Invitae Variant Classification Sherloc (09022015). Collection method: clinical testing. Allele origin: germline.

Breakthrough Genomics
Classification: Likely benign. Review status: criteria provided, single submitter. Criteria: ACMG Guidelines, 2015. Collection method: not provided. Allele origin: germline. Inheritance: Autosomal recessive inheritance. Affected: yes.